The following is an entry in ClinVar:

ClinVar aggregate classification (germline): Uncertain significance. Review status: criteria provided, multiple submitters, no conflicts (2 of 4 stars). 2 submissions from 2 submitters: Uncertain significance (2). Last evaluated 2025-08-14.

Conditions:
WDR11-related disorder. Also called: WDR11-related condition.
Inborn genetic diseases. Identifiers: MedGen C0950123, MeSH D030342.

Submissions (2):

Ambry Genetics
Classification: Uncertain significance for Inborn genetic diseases. Last evaluated: 2025-08-14. Review status: criteria provided, single submitter. Criteria: Ambry Variant Classification Scheme 2023. Collection method: clinical testing. Allele origin: germline.

PreventionGenetics, part of Exact Sciences
Classification: Uncertain significance for WDR11-related condition. Last evaluated: 2025-01-06. Review status: criteria provided, single submitter. Criteria: ACMG Guidelines, 2015. Collection method: clinical testing. Allele origin: germline.
Comment: The WDR11 c.2221G>T variant is predicted to result in the amino acid substitution p.Val741Leu. To our knowledge, this variant has not been reported in the literature. This variant is reported in 0.0070% of alleles in individuals of European (Non-Finnish) descent in gnomAD. At this time, the clinical significance of this variant is uncertain due to the absence of conclusive functional and genetic evidence.

NM_018117.12(WDR11):c.2221G>T (p.Val741Leu)

Gene: WDR11 (WD repeat domain 11; plus strand). Cytogenetic location: 10q26.12.
Variant type: single nucleotide variant.
Coding change: c.2221G>T on transcript NM_018117.12 (MANE Select); coding-DNA position 2221, G replaced by T.
Protein change: p.Val741Leu; replaces valine 741 with leucine.
Molecular consequence: missense variant.
Genome position (GRCh38, 1-based): chr10:120,889,177, G>T. VCF-style: chr10-120889177-G-T. GRCh37 (hg19) VCF-style: chr10-122648689-G-T.
Other names: short protein forms V741L.
Identifiers: ClinVar variation 4200420 (VCV004200420.2).